The following is an entry in ClinVar:

ClinVar aggregate classification (germline): Likely benign. Review status: criteria provided, multiple submitters, no conflicts (2 of 4 stars). 2 submissions from 2 submitters: Likely benign (2). Last evaluated 2025-09-08.

Conditions:
Episodic kinesigenic dyskinesia (EKD). Also called: Paroxysmal kinesigenic dyskinesia. Identifiers: Orphanet 98809, MedGen C1868682, MONDO:0044202.

Allele frequency attached by ClinVar (database versions not stated): gnomAD 0.00001; gnomAD exomes 0.00001 and 0.00005; TOPMed 0.00002; ExAC 0.00006.

Submissions (2):

Labcorp Genetics (formerly Invitae), Labcorp
Classification: Likely benign for Episodic kinesigenic dyskinesia. Last evaluated: 2025-09-08. Review status: criteria provided, single submitter. Criteria: Invitae Variant Classification Sherloc (09022015). Collection method: clinical testing. Allele origin: germline.

GeneDx
Classification: Likely benign. Last evaluated: 2017-09-15. Review status: criteria provided, single submitter. Criteria: GeneDx Variant Classification (06012015). Collection method: clinical testing. Allele origin: germline. Affected: yes.
Comment: This variant is considered likely benign or benign based on one or more of the following criteria: it is a conservative change, it occurs at a poorly conserved position in the protein, it is predicted to be benign by multiple in silico algorithms, and/or has population frequency not consistent with disease.

NM_145239.3(PRRT2):c.834C>T (p.Cys278=)

Genes: MVP-DT (MVP divergent transcript; minus strand), PRRT2 (proline rich transmembrane protein 2; plus strand). Cytogenetic location: 16p11.2.
Variant type: single nucleotide variant.
Coding change: c.834C>T on transcript NM_145239.3 (MANE Select); coding-DNA position 834, C replaced by T.
Protein change: p.Cys278=; no amino-acid change (cysteine 278 retained).
Molecular consequence: synonymous variant.
Genome position (GRCh38, 1-based): chr16:29,813,888, C>T. VCF-style: chr16-29813888-C-T. GRCh37 (hg19) VCF-style: chr16-29825209-C-T.
Other names: c.834C>T, p.Cys278= (NM_001256442.2, NM_001256443.2).
Identifiers: ClinVar variation 512161 (VCV000512161.11), dbSNP rs758654999, ClinGen allele CA7994588.